The following is an entry in ClinVar:

ClinVar aggregate classification (germline): Uncertain significance (1 of 4 stars; one submission).

Submission:

Ambry Genetics
Classification: Uncertain significance. Last evaluated: 2024-03-15. Review status: criteria provided, single submitter. Criteria: Ambry Variant Classification Scheme 2023. Collection method: clinical testing. Allele origin: germline.
Comment: The p.I364T variant (also known as c.1091T>C), located in coding exon 7 of the IDH1 gene, results from a T to C substitution at nucleotide position 1091. The isoleucine at codon 364 is replaced by threonine, an amino acid with similar properties. This amino acid position is conserved. In addition, the in silico prediction for this alteration is inconclusive. Since supporting evidence is limited at this time, the clinical significance of this alteration remains unclear.

NM_005896.4(IDH1):c.1091T>C (p.Ile364Thr)

Gene: IDH1 (isocitrate dehydrogenase (NADP(+)) 1; minus strand). Cytogenetic location: 2q34.
Variant type: single nucleotide variant.
Coding change: c.1091T>C on transcript NM_005896.4 (MANE Select); coding-DNA position 1091, T replaced by C.
Protein change: p.Ile364Thr; replaces isoleucine 364 with threonine.
Molecular consequence: missense variant.
Genome position (GRCh38, 1-based): chr2:208,239,134, A>G on the plus strand (T>C on the coding strand, the complement: IDH1 is on the minus strand). VCF-style: chr2-208239134-A-G. GRCh37 (hg19) VCF-style: chr2-209103858-A-G.
Other names: c.1091T>C, p.Ile364Thr (NM_001282386.1, NM_001282387.1); short protein forms I364T.
Identifiers: ClinVar variation 1789540 (VCV001789540.2), dbSNP rs2469014289, ClinGen allele CA350094286.